The following is an entry in ClinVar:

NM_177402.5(SYT2):c.175C>T (p.Pro59Ser)

Gene: SYT2 (synaptotagmin 2; minus strand). Cytogenetic location: 1q32.1.
Variant type: single nucleotide variant.
Coding change: c.175C>T on transcript NM_177402.5 (MANE Select); coding-DNA position 175, C replaced by T.
Protein change: p.Pro59Ser; replaces proline 59 with serine.
Molecular consequence: missense variant.
Genome position (GRCh38, 1-based): chr1:202,605,598, G>A on the plus strand (C>T on the coding strand, the complement: SYT2 is on the minus strand). VCF-style: chr1-202605598-G-A. GRCh37 (hg19) VCF-style: chr1-202574726-G-A.
Other names: c.175C>T, p.Pro59Ser (NM_001136504.1); short protein forms P59S.
Identifiers: ClinVar variation 1419507 (VCV001419507.6), dbSNP rs2149071947, ClinGen allele CA344259557.

ClinVar aggregate classification (germline): Uncertain significance (1 of 4 stars; one submission).

Submission:

Labcorp Genetics (formerly Invitae), Labcorp
Classification: Uncertain significance. Last evaluated: 2025-08-10. Review status: criteria provided, single submitter. Criteria: Invitae Variant Classification Sherloc (09022015). Collection method: clinical testing. Allele origin: germline.
Comment: This sequence change replaces proline, which is neutral and non-polar, with serine, which is neutral and polar, at codon 59 of the SYT2 protein (p.Pro59Ser). This variant is not present in population databases (gnomAD no frequency). This variant has not been reported in the literature in individuals affected with SYT2-related conditions. ClinVar contains an entry for this variant (Variation ID: 1419507). An algorithm developed to predict the effect of missense changes on protein structure and function (PolyPhen-2) suggests that this variant is likely to be disruptive. In summary, the available evidence is currently insufficient to determine the role of this variant in disease. Therefore, it has been classified as a Variant of Uncertain Significance.